The following is an entry in ClinVar:

ClinVar aggregate classification (germline): Uncertain significance. Review status: criteria provided, multiple submitters, no conflicts (2 of 4 stars). 3 submissions from 3 submitters: Uncertain significance (2). 1 of the submissions does not count toward it. Last evaluated 2025-12-13.

Conditions:
Inborn genetic diseases. Identifiers: MedGen C0950123, MeSH D030342.
KMT2B-related disorder. Also called: KMT2B-related condition; KMT2B-related disorders. Identifiers: MedGen CN381338.

Submissions (3):

Labcorp Genetics (formerly Invitae), Labcorp
Classification: Uncertain significance. Last evaluated: 2025-12-13. Review status: criteria provided, single submitter. Criteria: Invitae Variant Classification Sherloc (09022015). Collection method: clinical testing. Allele origin: germline.
Comment: This sequence change replaces arginine, which is basic and polar, with cysteine, which is neutral and slightly polar, at codon 69 of the KMT2B protein (p.Arg69Cys). The frequency data for this variant in the population databases is considered unreliable, as metrics indicate insufficient coverage at this position in the gnomAD database. This variant has not been reported in the literature in individuals affected with KMT2B-related conditions. ClinVar contains an entry for this variant (Variation ID: 2984560). Invitae Evidence Modeling of protein sequence and biophysical properties (such as structural, functional, and spatial information, amino acid conservation, physicochemical variation, residue mobility, and thermodynamic stability) has been performed for this missense variant. However, the output from this modeling did not meet the statistical confidence thresholds required to predict the impact of this variant on KMT2B protein function. In summary, the available evidence is currently insufficient to determine the role of this variant in disease. Therefore, it has been classified as a Variant of Uncertain Significance.

Ambry Genetics
Classification: Uncertain significance for Inborn genetic diseases. Last evaluated: 2025-06-18. Review status: criteria provided, single submitter. Criteria: Ambry Variant Classification Scheme 2023. Collection method: clinical testing. Allele origin: germline.

PreventionGenetics, part of Exact Sciences
Classification: Likely benign for KMT2B-related condition. Last evaluated: 2024-01-30. Review status: no assertion criteria provided. Collection method: clinical testing. Allele origin: germline. Not counted in ClinVar's aggregate classification.
Comment: This variant is classified as likely benign based on ACMG/AMP sequence variant interpretation guidelines (Richards et al. 2015 PMID: 25741868, with internal and published modifications).

NM_014727.3(KMT2B):c.205C>T (p.Arg69Cys)

Gene: KMT2B (lysine methyltransferase 2B; plus strand). Cytogenetic location: 19q13.12.
Variant type: single nucleotide variant.
Coding change: c.205C>T on transcript NM_014727.3 (MANE Select); coding-DNA position 205, C replaced by T.
Protein change: p.Arg69Cys; replaces arginine 69 with cysteine.
Molecular consequence: missense variant.
Genome position (GRCh38, 1-based): chr19:35,718,223, C>T. VCF-style: chr19-35718223-C-T. GRCh37 (hg19) VCF-style: chr19-36209125-C-T.
Other names: c.205C>T (NM_014727.1, NM_014727.2); short protein forms R69C.
Identifiers: ClinVar variation 2984560 (VCV002984560.6), dbSNP rs1002271723, ClinGen allele CA405375087.